The following is an entry in ClinVar:

ClinVar aggregate classification (germline): Likely pathogenic (1 of 4 stars; one submission).

Conditions:
Retinitis pigmentosa 54 (RP54). Identifiers: Orphanet 791, MedGen C3150691, MONDO:0013263, OMIM 613428.

Submission:

3billion
Classification: Likely pathogenic for Retinitis pigmentosa 54. Last evaluated: 2026-01-22. Review status: criteria provided, single submitter. Criteria: ACMG Guidelines, 2015. Collection method: clinical testing. Allele origin: germline. Affected: yes.
Comment: The variant is not observed in the gnomAD v4.1.0 dataset. Predicted Consequence/Location: Stop-gained (nonsense): predicted to result in a loss or disruption of normal protein function through nonsense-mediated decay (NMD) or protein truncation. Multiple pathogenic variants are reported downstream of the variant. Therefore, this variant is classified as Likely pathogenic according to the recommendation of ACMG/AMP guideline.

NM_001029883.3(PCARE):c.430A>T (p.Lys144Ter)

Gene: PCARE (photoreceptor cilium actin regulator; minus strand). Cytogenetic location: 2p23.2.
Variant type: single nucleotide variant.
Coding change: c.430A>T on transcript NM_001029883.3 (MANE Select); coding-DNA position 430, A replaced by T.
Protein change: p.Lys144Ter; replaces lysine 144 with a stop codon.
Molecular consequence: nonsense.
Genome position (GRCh38, 1-based): chr2:29,073,832, T>A on the plus strand (A>T on the coding strand, the complement: PCARE is on the minus strand). VCF-style: chr2-29073832-T-A. GRCh37 (hg19) VCF-style: chr2-29296698-T-A.
Other names: short protein forms K144*.
Identifiers: ClinVar variation 4855886 (VCV004855886.1).